The following is an entry in ClinVar:

ClinVar aggregate classification (germline): Likely pathogenic (1 of 4 stars; one submission).

Submission:

Labcorp Genetics (formerly Invitae), Labcorp
Classification: Likely pathogenic. Last evaluated: 2023-11-24. Review status: criteria provided, single submitter. Criteria: Invitae Variant Classification Sherloc (09022015). Collection method: clinical testing. Allele origin: germline.
Comment: This variant results in a copy number gain of the genomic region encompassing exon(s) 3 of the TYR gene. While the exact position of this variant cannot be determined from the data, sub-genic copy number gains are generally in tandem (PMID: 25640679). This variant is predicted to be out-of-frame, and may result in an absent or disrupted protein product. Loss-of-function variants in TYR are known to be pathogenic (PMID: 23504663). This variant has not been reported in the literature in individuals affected with TYR-related conditions. Experimental studies and prediction algorithms are not available or were not evaluated, and the functional significance of this variant is currently unknown. In summary, the currently available evidence indicates that the variant is pathogenic, but additional data are needed to prove that conclusively. Therefore, this variant has been classified as Likely Pathogenic.

Literature cited by the submitters: PubMed 25640679; PubMed 23504663.

NC_000011.9:g.(?_88960971)_(88961158_?)dup

Gene: TYR (tyrosinase; plus strand). Cytogenetic location: 11q14.3.
Variant type: Duplication.
Identifiers: ClinVar variation 1509438 (VCV001509438.2).